The following is an entry in ClinVar:

ClinVar aggregate classification (germline): Likely benign. Review status: criteria provided, multiple submitters, no conflicts (2 of 4 stars). 3 submissions from 3 submitters: Likely benign (3). Last evaluated 2025-11-25.

Conditions:
Isolated cryptophthalmia. Also called: Cryptophthalmos, unilateral or bilateral, isolated; ANKYLOBLEPHARON, SIMPLE. Identifiers: Orphanet 91396, MedGen C1852453, MONDO:0007410, OMIM 123570.
Fraser syndrome 2 (FRASRS2). Identifiers: MedGen C4540036, MONDO:0054738, OMIM 617666.

Allele frequency attached by ClinVar (database versions not stated): ExAC 0.00002; gnomAD exomes 0.00003; gnomAD 0.00004 and 0.00005; TOPMed 0.00006; ESP Exome Variant Server 0.00015.
gnomAD v4.1: 46 of 1,614,074 alleles (0.0028%); highest among the groups gnomAD compares: Middle Eastern, 0.016%; no homozygotes.

Submissions (3):

Labcorp Genetics (formerly Invitae), Labcorp
Classification: Likely benign. Last evaluated: 2025-11-25. Review status: criteria provided, single submitter. Criteria: Invitae Variant Classification Sherloc (09022015). Collection method: clinical testing. Allele origin: germline.

Fulgent Genetics
Classification: Likely benign for Isolated cryptophthalmia; Fraser syndrome 2. Last evaluated: 2022-03-22. Review status: criteria provided, single submitter. Criteria: ACMG Guidelines, 2015. Collection method: clinical testing. Allele origin: unknown.

Women's Health and Genetics/Laboratory Corporation of America, LabCorp
Classification: Likely benign. Last evaluated: 2021-07-20. Review status: criteria provided, single submitter. Criteria: LabCorp Variant Classification Summary - May 2015. Collection method: clinical testing. Allele origin: germline.
Comment: Variant summary: FREM2 c.4569T>C alters a conserved nucleotide resulting in a synonymous change. 4/4 computational tools predict no significant impact on normal splicing. However, these predictions have yet to be confirmed by functional studies. The variant allele was found at a frequency of 3.2e-05 in 250892 control chromosomes (gnomAD). To our knowledge, no occurrence of c.4569T>C in individuals affected with Cryptophthalmos Syndrome and no experimental evidence demonstrating its impact on protein function have been reported. No clinical diagnostic laboratories have submitted clinical-significance assessments for this variant to ClinVar after 2014. Based on the evidence outlined above, the variant was classified as likely benign.

NM_207361.6(FREM2):c.4569T>C (p.Arg1523=)

Gene: FREM2 (FRAS1 related extracellular matrix 2; plus strand). Cytogenetic location: 13q13.3.
Variant type: single nucleotide variant.
Coding change: c.4569T>C on transcript NM_207361.6 (MANE Select); coding-DNA position 4569, T replaced by C.
Protein change: p.Arg1523=; no amino-acid change (arginine 1523 retained).
Molecular consequence: synonymous variant.
Genome position (GRCh38, 1-based): chr13:38,691,913, T>C. VCF-style: chr13-38691913-T-C. GRCh37 (hg19) VCF-style: chr13-39266050-T-C.
Identifiers: ClinVar variation 1192243 (VCV001192243.7), dbSNP rs146585542, ClinGen allele CA6955025.